The following is an entry in ClinVar:

ClinVar aggregate classification (germline): Uncertain significance (1 of 4 stars; one submission).

Conditions:
Cardiovascular phenotype. Identifiers: MedGen CN230736.

Submission:

Ambry Genetics
Classification: Uncertain significance for Cardiovascular phenotype. Last evaluated: 2024-04-16. Review status: criteria provided, single submitter. Criteria: Ambry Variant Classification Scheme 2023. Collection method: clinical testing. Allele origin: germline.
Comment: The p.Y1317N variant (also known as c.3949T>A), located in coding exon 29 of the LAMA4 gene, results from a T to A substitution at nucleotide position 3949. The tyrosine at codon 1317 is replaced by asparagine, an amino acid with dissimilar properties. This amino acid position is conserved. In addition, this alteration is predicted to be deleterious by in silico analysis. Based on the available evidence, the clinical significance of this variant remains unclear.

NM_001105206.3(LAMA4):c.3970T>A (p.Tyr1324Asn)

Gene: LAMA4 (laminin subunit alpha 4; minus strand). Cytogenetic location: 6q21.
Variant type: single nucleotide variant.
Coding change: c.3970T>A on transcript NM_001105206.3 (MANE Select); coding-DNA position 3970, T replaced by A.
Protein change: p.Tyr1324Asn; replaces tyrosine 1324 with asparagine.
Molecular consequence: missense variant.
Genome position (GRCh38, 1-based): chr6:112,130,039, A>T on the plus strand (T>A on the coding strand, the complement: LAMA4 is on the minus strand). VCF-style: chr6-112130039-A-T. GRCh37 (hg19) VCF-style: chr6-112451241-A-T.
Other names: c.3949T>A, p.Tyr1317Asn (NM_001105207.3, NM_002290.5); short protein forms Y1324N, Y1317N.
Identifiers: ClinVar variation 3289936 (VCV003289936.1).